The following is an entry in ClinVar:

NM_001103146.3(GIGYF2):c.1388G>A (p.Arg463Gln)

Gene: GIGYF2 (GRB10 interacting GYF protein 2; plus strand). Cytogenetic location: 2q37.1.
Variant type: single nucleotide variant.
Coding change: c.1388G>A on transcript NM_001103146.3 (MANE Select); coding-DNA position 1388, G replaced by A.
Protein change: p.Arg463Gln; replaces arginine 463 with glutamine.
Molecular consequence: missense variant. On other transcripts: non-coding transcript variant (1).
Genome position (GRCh38, 1-based): chr2:232,794,853, G>A. VCF-style: chr2-232794853-G-A. GRCh37 (hg19) VCF-style: chr2-233659563-G-A.
Other names: c.1451G>A, p.Arg484Gln (NM_001103147.2); c.1370G>A, p.Arg457Gln (NM_001103148.2); c.1388G>A, p.Arg463Gln (NM_015575.4); short protein forms R457Q, R463Q, R484Q.
Identifiers: ClinVar variation 1049498 (VCV001049498.1), dbSNP rs765300379, ClinGen allele CA2170354.

ClinVar aggregate classification (germline): Uncertain significance (0 of 4 stars; one submission).

Allele frequency attached by ClinVar (database versions not stated): gnomAD 0.00004 and 0.00005; TOPMed 0.00009; ExAC 0.00012; gnomAD exomes 0.00013.
gnomAD v4.1: 57 of 1,613,612 alleles (0.0035%); highest among the groups gnomAD compares: East Asian, 0.085%; no homozygotes.

Submission:

Department of Pathology and Laboratory Medicine, Sinai Health System
Classification: Uncertain significance. Review status: no assertion criteria provided. Collection method: clinical testing. Allele origin: unknown. Affected: yes. Study: The Canadian Open Genetics Repository (COGR).
Comment: The GIGYF2 p.Arg484Gln variant was not identified in the literature nor was it identified in ClinVar, Cosmic, or LOVD 3.0. The variant was identified in dbSNP (ID: rs765300379) and in control databases in 37 of 282602 chromosomes at a frequency of 0.000131 (Genome Aggregation Database Feb 27, 2017). The variant was observed in the following populations: East Asian in 33 of 19940 chromosomes (freq: 0.001655) and European (non-Finnish) in 4 of 128986 chromosomes (freq: 0.000031), but not in the African, Latino, Ashkenazi Jewish, European (Finnish), Other, and South Asian populations. The variant occurs outside of the splicing consensus sequence and 3 of 4 in silico or computational prediction software programs (SpliceSiteFinder, MaxEntScan, NNSPLICE, GeneSplicer) predict a greater than 10% difference in splicing. The p.Arg484 residue is conserved in mammals but not in more distantly related organisms, however, four out of five computational analyses (PolyPhen-2, SIFT, AlignGVGD, BLOSUM, MutationTaster) do not suggest a high likelihood of impact to the protein; this information is not predictive enough to rule out pathogenicity. In summary, based on the above information the clinical significance of this variant cannot be determined with certainty at this time. This variant is classified as a variant of uncertain significance.